The following is an entry in ClinVar:

NM_004281.4(BAG3):c.1214C>T (p.Ala405Val)

Gene: BAG3 (BAG cochaperone 3; plus strand). Cytogenetic location: 10q26.11.
Variant type: single nucleotide variant.
Coding change: c.1214C>T on transcript NM_004281.4 (MANE Select); coding-DNA position 1214, C replaced by T.
Protein change: p.Ala405Val; replaces alanine 405 with valine.
Molecular consequence: missense variant.
Genome position (GRCh38, 1-based): chr10:119,676,768, C>T. VCF-style: chr10-119676768-C-T. GRCh37 (hg19) VCF-style: chr10-121436280-C-T.
Other names: short protein forms A405V.
Identifiers: ClinVar variation 298959 (VCV000298959.27), dbSNP rs11199064, ClinGen allele CA5716509.
Genomic context (GRCh38, chr10:119,676,768, plus strand): 5'-CTTCCCCCAAGAGTGTGGCTACAGAAGAGAGGGCAGCCCCCAGCACTGCCCCTGCAGAAG[C>T]TACACCTCCAAAACCAGGAGAAGCCGAGGCTCCCCCAAAACATCCAGGAGTGCTGAAAGT-3'
Protein context (NP_004272.2, residues 395-415): RAAPSTAPAE[Ala405Val]TPPKPGEAEA

ClinVar aggregate classification (germline): Conflicting classifications of pathogenicity. Review status: criteria provided, conflicting classifications (1 of 4 stars). 8 submissions from 7 submitters: Uncertain significance (2); Likely benign (6). Last evaluated 2025-12-22.

Conditions:
Cardiomyopathy (CMYO). Also called: Cardiomyopathies. Identifiers: Orphanet 167848, MedGen C0878544, MONDO:0004994, HP:0001638. Inheritance: Various modes of inheritance.
Dilated cardiomyopathy 1HH (CMD1HH). Identifiers: Orphanet 154, MedGen C3151293, MONDO:0013479, OMIM 613881.
Myofibrillar myopathy 6. Identifiers: Orphanet 199340, MedGen C2751831, MONDO:0013061, OMIM 612954.
Cardiovascular phenotype. Identifiers: MedGen CN230736.

Allele frequency attached by ClinVar (database versions not stated): gnomAD 0.00006 and 0.00007; TOPMed 0.00006; ESP Exome Variant Server 0.00008; gnomAD exomes 0.00011.
gnomAD v4.1: 168 of 1,614,048 alleles (0.01%); highest among the groups gnomAD compares: Non-Finnish European, 0.013%; no homozygotes.

Submissions (8):

Labcorp Genetics (formerly Invitae), Labcorp
Classification: Likely benign for Dilated cardiomyopathy 1HH; Myofibrillar myopathy 6. Last evaluated: 2025-12-22. Review status: criteria provided, single submitter. Criteria: Invitae Variant Classification Sherloc (09022015). Collection method: clinical testing. Allele origin: germline.

Mayo Clinic Laboratories, Mayo Clinic
Classification: Likely benign. Last evaluated: 2025-08-01. Review status: criteria provided, single submitter. Criteria: ACMG Guidelines, 2015. Collection method: clinical testing. Allele origin: germline. Observed: 2 variant alleles.
Comment: BS2, BP4_moderate

Blueprint Genetics
Classification: Likely benign. Last evaluated: 2024-08-21. Review status: criteria provided, single submitter. Criteria: ACMG Guidelines, 2015. Collection method: clinical testing. Allele origin: germline.

Ambry Genetics
Classification: Likely benign for Cardiovascular phenotype. Last evaluated: 2024-04-02. Review status: criteria provided, single submitter. Criteria: Ambry Variant Classification Scheme 2023. Collection method: clinical testing. Allele origin: germline.

CHEO Genetics Diagnostic Laboratory, Children's Hospital of Eastern Ontario
Classification: Uncertain significance for Cardiomyopathy. Last evaluated: 2023-03-15. Review status: criteria provided, single submitter. Criteria: ACMG Guidelines, 2015. Collection method: clinical testing. Allele origin: germline.

GeneDx
Classification: Likely benign. Last evaluated: 2021-03-18. Review status: criteria provided, single submitter. Criteria: GeneDx Variant Classification Process June 2021. Collection method: clinical testing. Allele origin: germline. Affected: yes.
Comment: This variant is associated with the following publications: (PMID: 31983221, 27527004)

Illumina Laboratory Services, Illumina
Classification: Likely benign for Myofibrillar myopathy 6. Last evaluated: 2018-01-13. Review status: criteria provided, single submitter. Criteria: ICSL Variant Classification Criteria 13 December 2019. Collection method: clinical testing. Allele origin: germline.
Comment: This variant was observed in the ICSL laboratory as part of a predisposition screen in an ostensibly healthy population. It had not been previously curated by ICSL or reported in the Human Gene Mutation Database (HGMD: prior to June 1st, 2018), and was therefore a candidate for classification through an automated scoring system. Utilizing variant allele frequency, disease prevalence and penetrance estimates, and inheritance mode, an automated score was calculated to assess if this variant is too frequent to cause the disease. Based on the score and internal cut-off values, a variant classified as likely benign is not then subjected to further curation. The score for this variant resulted in a classification of likely benign for this disease.

Illumina Laboratory Services, Illumina
Classification: Uncertain significance for Dilated cardiomyopathy 1HH. Last evaluated: 2018-01-13. Review status: criteria provided, single submitter. Criteria: ICSL Variant Classification Criteria 13 December 2019. Collection method: clinical testing. Allele origin: germline.

Literature cited by the submitters: PubMed 31983221 (cited by Mayo Clinic Laboratories, Mayo Clinic and Ambry Genetics); PubMed 37652022 (cited by Mayo Clinic Laboratories, Mayo Clinic).